The following is an entry in ClinVar:

NM_152703.5(SAMD9L):c.3260C>G (p.Ala1087Gly)

Gene: SAMD9L (sterile alpha motif domain containing 9 like; minus strand). Cytogenetic location: 7q21.2.
Variant type: single nucleotide variant.
Coding change: c.3260C>G on transcript NM_152703.5 (MANE Select); coding-DNA position 3260, C replaced by G.
Protein change: p.Ala1087Gly; replaces alanine 1087 with glycine.
Molecular consequence: missense variant.
Genome position (GRCh38, 1-based): chr7:93,132,712, G>C on the plus strand (C>G on the coding strand, the complement: SAMD9L is on the minus strand). VCF-style: chr7-93132712-G-C. GRCh37 (hg19) VCF-style: chr7-92762025-G-C.
Other names: c.3260C>G, p.Ala1087Gly (NM_001303496.3, NM_001303497.3, NM_001303498.3 and 5 more transcripts); c.3260C>G (NM_152703.2); short protein forms A1087G.
Identifiers: ClinVar variation 2060369 (VCV002060369.5), dbSNP rs747115736, ClinGen allele CA368183846.

ClinVar aggregate classification (germline): Uncertain significance. Review status: criteria provided, multiple submitters, no conflicts (2 of 4 stars). 2 submissions from 2 submitters: Uncertain significance (2). Last evaluated 2026-07-13.

Conditions:
Inborn genetic diseases. Identifiers: MedGen C0950123, MeSH D030342.

gnomAD v4.1: 4 of 1,613,814 alleles (0.00025%); highest among the groups gnomAD compares: Admixed American, 0.005%; no homozygotes.

Submissions (2):

Ambry Genetics
Classification: Uncertain significance for Inborn genetic diseases. Last evaluated: 2026-07-13. Review status: criteria provided, single submitter. Criteria: Ambry Variant Classification Scheme 2023. Collection method: clinical testing. Allele origin: germline.
Comment: The p.A1087G variant (also known as c.3260C>G), located in coding exon 1 of the SAMD9L gene, results from a C to G substitution at nucleotide position 3260. The alanine at codon 1087 is replaced by glycine, an amino acid with similar properties. This amino acid position is conserved. In addition, this alteration is predicted to be tolerated by in silico analysis. Based on the available evidence, the clinical significance of this variant remains unclear.

Labcorp Genetics (formerly Invitae), Labcorp
Classification: Uncertain significance. Last evaluated: 2022-02-25. Review status: criteria provided, single submitter. Criteria: Invitae Variant Classification Sherloc (09022015). Collection method: clinical testing. Allele origin: germline.
Comment: In summary, the available evidence is currently insufficient to determine the role of this variant in disease. Therefore, it has been classified as a Variant of Uncertain Significance. Algorithms developed to predict the effect of missense changes on protein structure and function are either unavailable or do not agree on the potential impact of this missense change (SIFT: "Not Available"; PolyPhen-2: "Probably Damaging"; Align-GVGD: "Not Available"). This variant has not been reported in the literature in individuals affected with SAMD9L-related conditions. This variant is not present in population databases (gnomAD no frequency). This sequence change replaces alanine, which is neutral and non-polar, with glycine, which is neutral and non-polar, at codon 1087 of the SAMD9L protein (p.Ala1087Gly).